The following is an entry in ClinVar:

ClinVar aggregate classification (germline): Uncertain significance (1 of 4 stars; one submission).

Conditions:
DICER1-related tumor predisposition. Also called: DICER1 syndrome; DICER1-related pleuropulmonary blastoma cancer predisposition syndrome. Identifiers: Orphanet 284343, MedGen C3839822, MONDO:0100216.

Submission:

Labcorp Genetics (formerly Invitae), Labcorp
Classification: Uncertain significance for DICER1-related tumor predisposition. Last evaluated: 2023-07-12. Review status: criteria provided, single submitter. Criteria: Invitae Variant Classification Sherloc (09022015). Collection method: clinical testing. Allele origin: germline.
Comment: This sequence change falls in intron 7 of the DICER1 gene. It does not directly change the encoded amino acid sequence of the DICER1 protein. It affects a nucleotide within the consensus splice site. This variant is not present in population databases (gnomAD no frequency). This variant has not been reported in the literature in individuals affected with DICER1-related conditions. Variants that disrupt the consensus splice site are a relatively common cause of aberrant splicing (PMID: 17576681, 9536098). Algorithms developed to predict the effect of sequence changes on RNA splicing suggest that this variant may create or strengthen a splice site. In summary, the available evidence is currently insufficient to determine the role of this variant in disease. Therefore, it has been classified as a Variant of Uncertain Significance.

Literature cited by the submitters: PubMed 17576681; PubMed 9536098.

NM_177438.3(DICER1):c.903+3A>T

Gene: DICER1 (dicer 1, ribonuclease III; minus strand). Cytogenetic location: 14q32.13.
Variant type: single nucleotide variant.
Coding change: c.903+3A>T on transcript NM_177438.3 (MANE Select); 3 bases into the intron after coding-DNA position 903, A replaced by T.
Molecular consequence: intron variant.
Genome position (GRCh38, 1-based): chr14:95,126,577, T>A on the plus strand (A>T on the coding strand, the complement: DICER1 is on the minus strand). VCF-style: chr14-95126577-T-A. GRCh37 (hg19) VCF-style: chr14-95592914-T-A.
Other names: c.903+3A>T (NM_001291628.2, NM_030621.4, NM_001395677.1 and 14 more transcripts); c.498+3A>T (NM_001395690.1, NM_001395687.1, NM_001395689.1 and 3 more transcripts); c.621+3A>T (NM_001395686.1); c.336+3A>T (NM_001395691.1); c.-666+3A>T (NM_001395697.1).
Identifiers: ClinVar variation 2742128 (VCV002742128.3), dbSNP rs2543226998, ClinGen allele CA2697554188.
Genomic context (GRCh38, chr14:95,126,577, plus strand): 5'-CAATATTAAAAATTAACAAAGCTTTCAAAATATAATCACTATACCTACTTGGTATATGCT[T>A]ACCTGTTTCGAAATTAAAGTAGAATCTCTTTCTTTTGAATGTACAGATATATTACAATCA-3'